The following is an entry in ClinVar:

NM_001036.6(RYR3):c.10901T>C (p.Ile3634Thr)

Gene: RYR3 (ryanodine receptor 3; plus strand). Cytogenetic location: 15q14.
Variant type: single nucleotide variant.
Coding change: c.10901T>C on transcript NM_001036.6 (MANE Select); coding-DNA position 10901, T replaced by C.
Protein change: p.Ile3634Thr; replaces isoleucine 3634 with threonine.
Molecular consequence: missense variant.
Genome position (GRCh38, 1-based): chr15:33,821,355, T>C. VCF-style: chr15-33821355-T-C. GRCh37 (hg19) VCF-style: chr15-34113556-T-C.
Other names: c.10886T>C, p.Ile3629Thr (NM_001243996.4); c.10901T>C (NM_001036.3); short protein forms I3634T, I3629T.
Identifiers: ClinVar variation 844686 (VCV000844686.2), dbSNP rs1323235127, ClinGen allele CA391586855.

ClinVar aggregate classification (germline): Uncertain significance. Review status: criteria provided, multiple submitters, no conflicts (2 of 4 stars). 2 submissions from 2 submitters: Uncertain significance (2). Last evaluated 2024-10-11.

Conditions:
Epileptic encephalopathy. Identifiers: MedGen C0543888, HP:0200134.

Allele frequency attached by ClinVar (database versions not stated): gnomAD 0.00001; gnomAD exomes 0.00001.
gnomAD v4.1: 5 of 1,601,990 alleles (0.00031%); highest among the groups gnomAD compares: East Asian, 0.0022%; no homozygotes.

Submissions (2):

Ambry Genetics
Classification: Uncertain significance. Last evaluated: 2024-10-11. Review status: criteria provided, single submitter. Criteria: Ambry Variant Classification Scheme 2023. Collection method: clinical testing. Allele origin: germline.

Labcorp Genetics (formerly Invitae), Labcorp
Classification: Uncertain significance for Epileptic encephalopathy. Last evaluated: 2019-01-25. Review status: criteria provided, single submitter. Criteria: Invitae Variant Classification Sherloc (09022015). Collection method: clinical testing. Allele origin: germline.
Comment: This sequence change replaces isoleucine with threonine at codon 3634 of the RYR3 protein (p.Ile3634Thr). The isoleucine residue is highly conserved and there is a moderate physicochemical difference between isoleucine and threonine. This variant is not present in population databases (ExAC no frequency). This variant has not been reported in the literature in individuals with RYR3-related conditions. Algorithms developed to predict the effect of missense changes on protein structure and function are either unavailable or do not agree on the potential impact of this missense change (SIFT: "Deleterious"; PolyPhen-2: "Benign"; Align-GVGD: "Class C0"). In summary, the available evidence is currently insufficient to determine the role of this variant in disease. Therefore, it has been classified as a Variant of Uncertain Significance.